The following is an entry in ClinVar:

NM_018303.6(EXOC2):c.1309C>T (p.Arg437Ter)

Gene: EXOC2 (exocyst complex component 2; minus strand). Cytogenetic location: 6p25.3.
Variant type: single nucleotide variant.
Coding change: c.1309C>T on transcript NM_018303.6 (MANE Select); coding-DNA position 1309, C replaced by T.
Protein change: p.Arg437Ter; replaces arginine 437 with a stop codon.
Molecular consequence: nonsense. On other transcripts: non-coding transcript variant (1).
Genome position (GRCh38, 1-based): chr6:576,766, G>A on the plus strand (C>T on the coding strand, the complement: EXOC2 is on the minus strand). VCF-style: chr6-576766-G-A. GRCh37 (hg19) VCF-style: chr6-576766-G-A.
Other names: short protein forms R437*.
Identifiers: ClinVar variation 1074296 (VCV001074296.2), dbSNP rs754717014, ClinGen allele CA3613595.

ClinVar aggregate classification (germline): Uncertain significance. Review status: criteria provided, single submitter (1 of 4 stars). 2 submissions from 2 submitters: Uncertain significance (1). 1 of the submissions does not count toward it. Last evaluated 2025-10-31.

Conditions:
Neurodevelopmental disorder with dysmorphic facies and cerebellar hypoplasia. Identifiers: MedGen C5543332, MONDO:0859141, OMIM 619306.

Allele frequency attached by ClinVar (database versions not stated): gnomAD 0.00001; TOPMed 0.00001.
gnomAD v4.1: 10 of 1,613,634 alleles (0.00062%); highest among the groups gnomAD compares: South Asian, 0.0011%; no homozygotes.

Submissions (2):

Women's Health and Genetics/Laboratory Corporation of America, LabCorp
Classification: Uncertain significance. Last evaluated: 2025-10-31. Review status: criteria provided, single submitter. Criteria: LabCorp Variant Classification Summary - May 2015. Collection method: clinical testing. Allele origin: germline.
Comment: Variant summary: EXOC2 c.1309C>T (p.Arg437X) results in a premature termination codon, predicted to cause a truncation of the encoded protein or absence of the protein due to nonsense mediated decay, however current evidence is not sufficient to establish loss of function as a mechanism for disease. The variant allele was found at a frequency of 1.6e-05 in 251102 control chromosomes. c.1309C>T has been observed in the homozygous state in 2 individuals from a large consanguineous family affected with Neurodevelopmental Disorder With Dysmorphic Facies And Cerebellar Hypoplasia (example: Van Bergen_2020). At least one publication reports experimental evidence evaluating an impact on protein function (example: Van Bergen_2020). Specifically, using fibroblasts from an individual homozygous for the variant of interest, sensitivity to nonsense-mediated decay was demonstrated via a significant decrease in relative levels of EXOC2 transcript, complete absence of full-length EXOC2 protein was demonstrated via Western blot analysis, and restoration of EXOC2 protein levels to control levels was exhibited via transduction with EXOC2 lentiviral particles. Furthermore, knockout of EXOC2 protein in both wild-type and fibroblasts from an individual homozygous for the variant of interest led to significant cell death compared to wild-type, suggesting that viability in the homozygous individual was maintained via low-level expression of truncated EXOC2. Measurement of EXOC2 protein levels in isolated peripheral blood mononuclear cells from 2 individuals homozygous for the variant of interest also showed that no EXOC2 protein was detected, however, levels in a heterozygous parent, an unaffected sibling, and in controls was normal. The following publication has been ascertained in the context of this evaluation (PMID: 32639540). ClinVar contains an entry for this variant (Variation ID: 1074296). However, there is no additional variant found in EXOC2 which can support gene-disease relationship. Based on the evidence outlined above, the variant was classified as uncertain significance.

OMIM
Classification: Pathogenic for NEURODEVELOPMENTAL DISORDER WITH DYSMORPHIC FACIES AND CEREBELLAR HYPOPLASIA. Last evaluated: 2021-05-07. Review status: flagged submission. Collection method: literature only. Allele origin: germline. Not counted in ClinVar's aggregate classification.
ClinVar note: Notes: Flagging candidate with reason of insufficient supporting evidence. This gene has been classified as having a limited gene-disease relationship by a ClinGen Expert Panel.
ClinVar note: Reason: Other

Literature cited by the submitters: PubMed 32639540 (cited by Women's Health and Genetics/Laboratory Corporation of America, LabCorp and OMIM).